The following is an entry in ClinVar:

NM_020937.4(FANCM):c.3092G>T (p.Ser1031Ile)

Gene: FANCM (FA complementation group M; plus strand). Cytogenetic location: 14q21.2.
Variant type: single nucleotide variant.
Coding change: c.3092G>T on transcript NM_020937.4 (MANE Select); coding-DNA position 3092, G replaced by T.
Protein change: p.Ser1031Ile; replaces serine 1031 with isoleucine.
Molecular consequence: missense variant.
Genome position (GRCh38, 1-based): chr14:45,175,846, G>T. VCF-style: chr14-45175846-G-T. GRCh37 (hg19) VCF-style: chr14-45645049-G-T.
Other names: c.3014G>T, p.Ser1005Ile (NM_001308133.2); short protein forms S1005I, S1031I.
Identifiers: ClinVar variation 858144 (VCV000858144.10), dbSNP rs1176625946, ClinGen allele CA389599841.

ClinVar aggregate classification (germline): Uncertain significance. Review status: criteria provided, multiple submitters, no conflicts (2 of 4 stars). 2 submissions from 2 submitters: Uncertain significance (2). Last evaluated 2025-08-08.

Conditions:
Fanconi anemia (FA). Also called: Fanconi's anemia. Identifiers: Orphanet 84, MedGen C0015625, MeSH D005199, MONDO:0019391.
Inborn genetic diseases. Identifiers: MedGen C0950123, MeSH D030342.

Allele frequency attached by ClinVar (database versions not stated): gnomAD exomes below 0.00001; TOPMed below 0.00001.
gnomAD v4.1: 1 of 1,613,950 alleles (0.000062%); highest among the groups gnomAD compares: Admixed American, 0.0017%; no homozygotes.

Submissions (2):

Ambry Genetics
Classification: Uncertain significance for Inborn genetic diseases. Last evaluated: 2025-08-08. Review status: criteria provided, single submitter. Criteria: Ambry Variant Classification Scheme 2023. Collection method: clinical testing. Allele origin: germline.
Comment: The p.S1031I variant (also known as c.3092G>T), located in coding exon 14 of the FANCM gene, results from a G to T substitution at nucleotide position 3092. The serine at codon 1031 is replaced by isoleucine, an amino acid with dissimilar properties. This amino acid position is conserved. In addition, this alteration is predicted to be tolerated by in silico analysis. Based on the available evidence, the clinical significance of this variant remains unclear.

Labcorp Genetics (formerly Invitae), Labcorp
Classification: Uncertain significance for Fanconi anemia. Last evaluated: 2023-08-16. Review status: criteria provided, single submitter. Criteria: Invitae Variant Classification Sherloc (09022015). Collection method: clinical testing. Allele origin: germline.
Comment: In summary, the available evidence is currently insufficient to determine the role of this variant in disease. Therefore, it has been classified as a Variant of Uncertain Significance. An algorithm developed to predict the effect of missense changes on protein structure and function (PolyPhen-2) suggests that this variant is likely to be tolerated. ClinVar contains an entry for this variant (Variation ID: 858144). This variant has not been reported in the literature in individuals affected with FANCM-related conditions. The frequency data for this variant in the population databases is considered unreliable, as metrics indicate poor data quality at this position in the gnomAD database. This sequence change replaces serine, which is neutral and polar, with isoleucine, which is neutral and non-polar, at codon 1031 of the FANCM protein (p.Ser1031Ile).